The following is an entry in ClinVar:

ClinVar aggregate classification (germline): Uncertain significance. Review status: criteria provided, multiple submitters, no conflicts (2 of 4 stars). 2 submissions from 2 submitters: Uncertain significance (2). Last evaluated 2024-08-24.

Conditions:
Ataxia-telangiectasia-like disorder (ATLD). Identifiers: MedGen C1858391, MONDO:0011457.
Hereditary cancer-predisposing syndrome. Also called: Hereditary Cancer Syndrome; Hereditary neoplastic syndrome; Neoplastic Syndromes, Hereditary; Tumor predisposition. Identifiers: Orphanet 140162, MedGen C0027672, MeSH D009386, MONDO:0015356.

gnomAD v4.1: 2 of 1,612,954 alleles (0.00012%); highest among the groups gnomAD compares: African/African-American, 0.0013%; no homozygotes.

Submissions (2):

Ambry Genetics
Classification: Uncertain significance for Hereditary cancer-predisposing syndrome. Last evaluated: 2024-08-24. Review status: criteria provided, single submitter. Criteria: Ambry Variant Classification Scheme 2023. Collection method: clinical testing. Allele origin: germline.
Comment: The p.N100S variant (also known as c.299A>G), located in coding exon 3 of the MRE11A gene, results from an A to G substitution at nucleotide position 299. The asparagine at codon 100 is replaced by serine, an amino acid with highly similar properties. This amino acid position is conserved. In addition, this alteration is predicted to be tolerated by in silico analysis. Based on the available evidence, the clinical significance of this variant remains unclear.

Labcorp Genetics (formerly Invitae), Labcorp
Classification: Uncertain significance for Ataxia-telangiectasia-like disorder. Last evaluated: 2022-01-17. Review status: criteria provided, single submitter. Criteria: Invitae Variant Classification Sherloc (09022015). Collection method: clinical testing. Allele origin: germline.
Comment: In summary, the available evidence is currently insufficient to determine the role of this variant in disease. Therefore, it has been classified as a Variant of Uncertain Significance. Algorithms developed to predict the effect of missense changes on protein structure and function are either unavailable or do not agree on the potential impact of this missense change (SIFT: "Tolerated"; PolyPhen-2: "Possibly Damaging"; Align-GVGD: "Class C0"). This variant has not been reported in the literature in individuals affected with MRE11-related conditions. This variant is present in population databases (no rsID available, gnomAD 0.007%). This sequence change replaces asparagine, which is neutral and polar, with serine, which is neutral and polar, at codon 100 of the MRE11 protein (p.Asn100Ser).

NM_005591.4(MRE11):c.299A>G (p.Asn100Ser)

Gene: MRE11 (MRE11 double strand break repair nuclease; minus strand). Cytogenetic location: 11q21.
Variant type: single nucleotide variant.
Coding change: c.299A>G on transcript NM_005591.4 (MANE Select); coding-DNA position 299, A replaced by G.
Protein change: p.Asn100Ser; replaces asparagine 100 with serine.
Molecular consequence: missense variant.
Genome position (GRCh38, 1-based): chr11:94,485,939, T>C on the plus strand (A>G on the coding strand, the complement: MRE11 is on the minus strand). VCF-style: chr11-94485939-T-C. GRCh37 (hg19) VCF-style: chr11-94219105-T-C.
Other names: c.299A>G, p.Asn100Ser (NM_001330347.2, NM_005590.4); short protein forms N100S.
Identifiers: ClinVar variation 1926424 (VCV001926424.6), dbSNP rs1270616264, ClinGen allele CA382379423.